The following is an entry in ClinVar:

NM_013275.6(ANKRD11):c.1970_1971del (p.Phe657fs)

Gene: ANKRD11 (ankyrin repeat domain containing 11; minus strand). Cytogenetic location: 16q24.3.
Variant type: Deletion.
Coding change: c.1970_1971del on transcript NM_013275.6 (MANE Select); coding-DNA positions 1970 to 1971, 2 bases deleted (TT; older notation c.1970_1971delTT).
Protein change: p.Phe657fs; shifts the reading frame from phenylalanine 657.
Molecular consequence: frameshift variant.
Genome position (GRCh38, 1-based): chr16:89,284,571-89,284,572, AA deleted on the plus strand (TT on the coding strand, the reverse complement: ANKRD11 is on the minus strand); deleting any 2 consecutive bases within chr16:89,284,571-89,284,574 gives the same sequence; the c. name uses the placement nearest the transcript's 3' end. VCF-style (leftmost placement, unchanged base first): chr16-89284570-TAA-T. GRCh37 (hg19) VCF-style: chr16-89350978-TAA-T.
Other names: c.1970_1971del, p.Phe657fs (NM_001256182.2, NM_001256183.2); short protein forms F657fs.
Identifiers: ClinVar variation 432651 (VCV000432651.2), dbSNP rs1555529364, ClinGen allele CA645373066.

ClinVar aggregate classification (germline): Pathogenic (1 of 4 stars; one submission).

Submission:

GeneDx
Classification: Pathogenic. Last evaluated: 2017-06-08. Review status: criteria provided, single submitter. Criteria: GeneDx Variant Classification (06012015). Collection method: clinical testing. Allele origin: germline. Affected: yes.
Comment: The c.1970_1971delTT variant in the ANKRD11 gene has not been reported previously as a pathogenic variant nor as a benign variant, to our knowledge. The c.1970_1971delTT variant causes a frameshift starting with codon Phenylalanine 657, changes this amino acid to a Tyrosine residue, and creates a premature Stop codon at position 5 of the new reading frame, denoted p.Phe657TyrfsX5. This variant is predicted to cause loss of normal protein function either through protein truncation or nonsense-mediated mRNA decay. The c.1970_1971delTT variant is not observed in large population cohorts (Lek et al., 2016; 1000 Genomes Consortium et al., 2015; Exome Variant Server). We interpret c.1970_1971delTT as a pathogenic variant.